The following is an entry in ClinVar:

NM_000127.3(EXT1):c.459_460del (p.Phe154fs)

Gene: EXT1 (exostosin glycosyltransferase 1; minus strand). Cytogenetic location: 8q24.11.
Variant type: Microsatellite.
Coding change: c.459_460del on transcript NM_000127.3 (MANE Select); coding-DNA positions 459 to 460, 2 bases deleted (CT; older notation c.459_460delCT).
Protein change: p.Phe154fs; shifts the reading frame from phenylalanine 154.
Molecular consequence: frameshift variant.
Genome position (GRCh38, 1-based): chr8:118,110,587-118,110,588, AG deleted on the plus strand (CT on the coding strand, the reverse complement: EXT1 is on the minus strand); deleting any 2 consecutive bases within chr8:118,110,587-118,110,590 gives the same sequence; the c. name uses the placement nearest the transcript's 3' end. VCF-style (leftmost placement, unchanged base first): chr8-118110586-AAG-A. GRCh37 (hg19) VCF-style: chr8-119122825-AAG-A.
Other names: short protein forms F154fs.
Identifiers: ClinVar variation 4709657 (VCV004709657.1).

ClinVar aggregate classification (germline): Pathogenic (1 of 4 stars; one submission).

Conditions:
Multiple congenital exostosis (EXT). Also called: MULTIPLE CARTILAGINOUS EXOSTOSES; Hereditary multiple exostoses; Hereditary multiple exostosis; Hereditary multiple osteochondromas; Multiple osteochondromas; Multiple exostoses. Identifiers: Orphanet 321, MedGen C0015306, MONDO:0005508, HP:0002762.

Submission:

Labcorp Genetics (formerly Invitae), Labcorp
Classification: Pathogenic for Multiple congenital exostosis. Last evaluated: 2025-04-19. Review status: criteria provided, single submitter. Criteria: Invitae Variant Classification Sherloc (09022015). Collection method: clinical testing. Allele origin: germline.
Comment: This sequence change creates a premature translational stop signal (p.Phe154Cysfs*34) in the EXT1 gene. It is expected to result in an absent or disrupted protein product. Loss-of-function variants in EXT1 are known to be pathogenic (PMID: 10679937, 11391482, 19810120). This variant is not present in population databases (gnomAD no frequency). This premature translational stop signal has been observed in individual(s) with hereditary multiple osteochondromas (PMID: 11432960). This variant is also known as 460del2T F154 frameshift. For these reasons, this variant has been classified as Pathogenic.

Literature cited by the submitters: PubMed 10679937; PubMed 11391482; PubMed 19810120; PubMed 11432960.